The following is an entry in ClinVar:

ClinVar aggregate classification (germline): Uncertain significance (0 of 4 stars; one submission).

Conditions:
PCNT-related disorder. Also called: PCNT-related condition.

Submission:

PreventionGenetics, part of Exact Sciences
Classification: Uncertain significance for PCNT-related condition. Last evaluated: 2024-04-18. Review status: no assertion criteria provided. Collection method: clinical testing. Allele origin: germline.
Comment: The PCNT c.3901_3903delGAG variant is predicted to result in an in-frame deletion (p.Glu1301del). To our knowledge, this variant has not been reported in the literature. This variant is reported in 0.00088% of alleles in individuals of European (Non-Finnish) descent in gnomAD. At this time, the clinical significance of this variant is uncertain due to the absence of conclusive functional and genetic evidence.

NM_006031.6(PCNT):c.3898GAG[1] (p.Glu1301del)

Gene: PCNT (pericentrin; plus strand). Cytogenetic location: 21q22.3.
Variant type: Microsatellite.
Coding change: c.3898GAG[1] on transcript NM_006031.6 (MANE Select); one copy of the 3-base unit GAG starting at c.3898; the reference has two copies in a row; one copy, 3 bases deleted.
Protein change: p.Glu1301del; deletes glutamic acid 1301.
Molecular consequence: inframe deletion.
Genome position (GRCh38, 1-based): chr21:46,390,730-46,390,732, GAG deleted; deleting any 3 consecutive bases within chr21:46,390,727-46,390,732 gives the same sequence; the position shown is the placement nearest the transcript's 3' end. VCF-style (leftmost placement, unchanged base first): chr21-46390726-TGAG-T. GRCh37 (hg19) VCF-style: chr21-47810641-TGAG-T.
Other names: c.3544GAG[1], p.Glu1183del (NM_001315529.2); short protein forms E1183del, E1301del.
Identifiers: ClinVar variation 3346262 (VCV003346262.1).